The following is an entry in ClinVar:

ClinVar aggregate classification (germline): Uncertain significance (1 of 4 stars; one submission).

Submission:

GeneDx
Classification: Uncertain significance. Last evaluated: 2023-12-11. Review status: criteria provided, single submitter. Criteria: GeneDx Variant Classification Process June 2021. Collection method: clinical testing. Allele origin: germline. Affected: yes.
Comment: Not observed at significant frequency in large population cohorts (gnomAD); Canonical splice site variant in a gene or region of a gene for which loss of function is not a well-established mechanism of disease; Has not been previously published as pathogenic or benign to our knowledge; Variants in candidate genes are classified as variants of uncertain significance in accordance with ACMG guidelines (Richards et al., 2015)

NM_014974.3(DIP2C):c.1057+1G>A

Gene: DIP2C (disco interacting protein 2 homolog C; minus strand). Cytogenetic location: 10p15.3.
Variant type: single nucleotide variant.
Coding change: c.1057+1G>A on transcript NM_014974.3 (MANE Select); the canonical splice donor site of the intron after coding-DNA position 1057, G replaced by A.
Molecular consequence: splice donor variant.
Genome position (GRCh38, 1-based): chr10:413,912, C>T on the plus strand (G>A on the coding strand, the complement: DIP2C is on the minus strand). VCF-style: chr10-413912-C-T. GRCh37 (hg19) VCF-style: chr10-459852-C-T.
Identifiers: ClinVar variation 3253147 (VCV003253147.1), dbSNP rs2540884299.